The following is an entry in ClinVar:

ClinVar aggregate classification (germline): Uncertain significance (1 of 4 stars; one submission).

Conditions:
Cardiovascular phenotype. Identifiers: MedGen CN230736.
Hereditary cancer-predisposing syndrome. Also called: Hereditary Cancer Syndrome; Hereditary neoplastic syndrome; Neoplastic Syndromes, Hereditary; Tumor predisposition. Identifiers: Orphanet 140162, MedGen C0027672, MeSH D009386, MONDO:0015356.

Submission:

Ambry Genetics
Classification: Uncertain significance for Cardiovascular phenotype; Hereditary cancer-predisposing syndrome. Last evaluated: 2020-03-19. Review status: criteria provided, single submitter. Criteria: Ambry Variant Classification Scheme 2023. Collection method: clinical testing. Allele origin: germline.
Comment: The p.L508R variant (also known as c.1523T>G), located in coding exon 13 of the NF1 gene, results from a T to G substitution at nucleotide position 1523. The leucine at codon 508 is replaced by arginine, an amino acid with dissimilar properties. This amino acid position is highly conserved in available vertebrate species. In addition, the in silico prediction for this alteration is inconclusive. Since supporting evidence is limited at this time, the clinical significance of this alteration remains unclear.

NM_001042492.3(NF1):c.1523T>G (p.Leu508Arg)

Gene: NF1 (neurofibromin 1; plus strand). Cytogenetic location: 17q11.2.
Variant type: single nucleotide variant.
Coding change: c.1523T>G on transcript NM_001042492.3 (MANE Select); coding-DNA position 1523, T replaced by G.
Protein change: p.Leu508Arg; replaces leucine 508 with arginine.
Molecular consequence: missense variant.
Genome position (GRCh38, 1-based): chr17:31,214,581, T>G. VCF-style: chr17-31214581-T-G. GRCh37 (hg19) VCF-style: chr17-29541599-T-G.
Other names: c.1523T>G, p.Leu508Arg (NM_000267.4, NM_001128147.3); short protein forms L508R.
Identifiers: ClinVar variation 1774485 (VCV001774485.2), dbSNP rs137854558, ClinGen allele CA399001702.